The following is an entry in ClinVar:

NM_018319.4(TDP1):c.629G>A (p.Trp210Ter)

Gene: TDP1 (tyrosyl-DNA phosphodiesterase 1; plus strand). Cytogenetic location: 14q32.11.
Variant type: single nucleotide variant.
Coding change: c.629G>A on transcript NM_018319.4 (MANE Select); coding-DNA position 629, G replaced by A.
Protein change: p.Trp210Ter; replaces tryptophan 210 with a stop codon.
Molecular consequence: nonsense.
Genome position (GRCh38, 1-based): chr14:89,967,392, G>A. VCF-style: chr14-89967392-G-A. GRCh37 (hg19) VCF-style: chr14-90433736-G-A.
Other names: c.629G>A, p.Trp210Ter (NM_001008744.2, NM_001330205.2); short protein forms W210*.
Identifiers: ClinVar variation 4845733 (VCV004845733.1).

ClinVar aggregate classification (germline): Likely pathogenic (1 of 4 stars; one submission).

Conditions:
Spinocerebellar ataxia, autosomal recessive, with axonal neuropathy 1 (SCAN1). Identifiers: Orphanet 94124, MedGen C4759870, MONDO:0011801, OMIM 607250.

Submission:

First Genomix Gene Laboratory, Genetic Diagnostics Department
Classification: Likely pathogenic for Spinocerebellar ataxia, autosomal recessive, with axonal neuropathy 1. Last evaluated: 2025-01-27. Review status: criteria provided, single submitter. Criteria: ACMG Guidelines, 2015. Collection method: clinical testing. Allele origin: germline. Inheritance: Autosomal recessive inheritance. Affected: no. Observed: 1 variant allele.